The following is an entry in ClinVar:

ClinVar aggregate classification (germline): Likely benign. Review status: criteria provided, multiple submitters, no conflicts (2 of 4 stars). 3 submissions from 3 submitters: Likely benign (2). 1 of the submissions does not count toward it. Last evaluated 2026-01-11.

Conditions:
RECQL4-related disorder. Also called: RECQL4-related condition; RECQL4-related disorders.
Inborn genetic diseases. Identifiers: MedGen C0950123, MeSH D030342.
Baller-Gerold syndrome (BGS). Also called: CRANIOSYNOSTOSIS WITH RADIAL DEFECTS. Identifiers: Orphanet 1225, MedGen C0265308, MONDO:0009039, OMIM 218600.

Allele frequency attached by ClinVar (database versions not stated): ExAC 0.00001; gnomAD exomes 0.00001; TOPMed 0.00001.
gnomAD v4.1: 14 of 1,612,512 alleles (0.00087%); highest among the groups gnomAD compares: Non-Finnish European, 0.0012%; no homozygotes.

Submissions (3):

Labcorp Genetics (formerly Invitae), Labcorp
Classification: Likely benign for Baller-Gerold syndrome. Last evaluated: 2026-01-11. Review status: criteria provided, single submitter. Criteria: Invitae Variant Classification Sherloc (09022015). Collection method: clinical testing. Allele origin: germline.

Ambry Genetics
Classification: Likely benign for Inborn genetic diseases. Last evaluated: 2024-11-21. Review status: criteria provided, single submitter. Criteria: Ambry Variant Classification Scheme 2023. Collection method: clinical testing. Allele origin: germline.

PreventionGenetics, part of Exact Sciences
Classification: Likely benign for RECQL4-related condition. Last evaluated: 2023-06-06. Review status: no assertion criteria provided. Collection method: clinical testing. Allele origin: germline. Not counted in ClinVar's aggregate classification.
Comment: This variant is classified as likely benign based on ACMG/AMP sequence variant interpretation guidelines (Richards et al. 2015 PMID: 25741868, with internal and published modifications).

NM_004260.4(RECQL4):c.1384T>C (p.Leu462=)

Gene: RECQL4 (RecQ like helicase 4; minus strand). Cytogenetic location: 8q24.3.
Variant type: single nucleotide variant.
Coding change: c.1384T>C on transcript NM_004260.4 (MANE Select); coding-DNA position 1384, T replaced by C.
Protein change: p.Leu462=; no amino-acid change (leucine 462 retained).
Molecular consequence: synonymous variant.
Genome position (GRCh38, 1-based): chr8:144,515,332, A>G on the plus strand (T>C on the coding strand, the complement: RECQL4 is on the minus strand). VCF-style: chr8-144515332-A-G. GRCh37 (hg19) VCF-style: chr8-145740716-A-G.
Identifiers: ClinVar variation 700812 (VCV000700812.12), dbSNP rs759459549, ClinGen allele CA4948899.